The following is an entry in ClinVar:

ClinVar aggregate classification (germline): Uncertain significance (1 of 4 stars; one submission).

Allele frequency attached by ClinVar (database versions not stated): gnomAD exomes 0.00001.

Submission:

Labcorp Genetics (formerly Invitae), Labcorp
Classification: Uncertain significance. Last evaluated: 2022-03-19. Review status: criteria provided, single submitter. Criteria: Invitae Variant Classification Sherloc (09022015). Collection method: clinical testing. Allele origin: germline.
Comment: In summary, the available evidence is currently insufficient to determine the role of this variant in disease. Therefore, it has been classified as a Variant of Uncertain Significance. Algorithms developed to predict the effect of missense changes on protein structure and function (SIFT, PolyPhen-2, Align-GVGD) all suggest that this variant is likely to be disruptive. This variant has not been reported in the literature in individuals affected with LAMC3-related conditions. This variant is not present in population databases (gnomAD no frequency). This sequence change replaces cysteine, which is neutral and slightly polar, with arginine, which is basic and polar, at codon 364 of the LAMC3 protein (p.Cys364Arg).

NM_006059.4(LAMC3):c.1090T>C (p.Cys364Arg)

Gene: LAMC3 (laminin subunit gamma 3; plus strand). Cytogenetic location: 9q34.12.
Variant type: single nucleotide variant.
Coding change: c.1090T>C on transcript NM_006059.4 (MANE Select); coding-DNA position 1090, T replaced by C.
Protein change: p.Cys364Arg; replaces cysteine 364 with arginine.
Molecular consequence: missense variant.
Genome position (GRCh38, 1-based): chr9:131,038,977, T>C. VCF-style: chr9-131038977-T-C. GRCh37 (hg19) VCF-style: chr9-133914364-T-C.
Other names: short protein forms C364R.
Identifiers: ClinVar variation 1496160 (VCV001496160.4), dbSNP rs2133253843, ClinGen allele CA375259035.